The following is an entry in ClinVar:

ClinVar aggregate classification (germline): Uncertain significance (1 of 4 stars; one submission).

Submission:

GeneDx
Classification: Uncertain significance. Last evaluated: 2024-09-30. Review status: criteria provided, single submitter. Criteria: GeneDx Variant Classification Process June 2021. Collection method: clinical testing. Allele origin: germline. Affected: yes.
Comment: Not observed at significant frequency in large population cohorts (gnomAD); In silico analysis supports that this missense variant has a deleterious effect on protein structure/function; Has not been previously published as pathogenic or benign to our knowledge

NM_000069.3(CACNA1S):c.4669G>T (p.Ala1557Ser)

Gene: CACNA1S (calcium voltage-gated channel subunit alpha1 S; minus strand). Cytogenetic location: 1q32.1.
Variant type: single nucleotide variant.
Coding change: c.4669G>T on transcript NM_000069.3 (MANE Select); coding-DNA position 4669, G replaced by T.
Protein change: p.Ala1557Ser; replaces alanine 1557 with serine.
Molecular consequence: missense variant.
Genome position (GRCh38, 1-based): chr1:201,044,456, C>A on the plus strand (G>T on the coding strand, the complement: CACNA1S is on the minus strand). VCF-style: chr1-201044456-C-A. GRCh37 (hg19) VCF-style: chr1-201013584-C-A.
Other names: short protein forms A1557S.
Identifiers: ClinVar variation 3774900 (VCV003774900.1).